The following is an entry in ClinVar:

NM_024642.5(GALNT12):c.683A>T (p.Asp228Val)

Gene: GALNT12 (polypeptide N-acetylgalactosaminyltransferase 12; plus strand). Cytogenetic location: 9q22.33.
Variant type: single nucleotide variant.
Coding change: c.683A>T on transcript NM_024642.5 (MANE Select); coding-DNA position 683, A replaced by T.
Protein change: p.Asp228Val; replaces aspartic acid 228 with valine.
Molecular consequence: missense variant.
Genome position (GRCh38, 1-based): chr9:98,826,893, A>T. VCF-style: chr9-98826893-A-T. GRCh37 (hg19) VCF-style: chr9-101589175-A-T.
Other names: short protein forms D228V.
Identifiers: ClinVar variation 1755726 (VCV001755726.2), dbSNP rs1835870637, ClinGen allele CA374217700.

ClinVar aggregate classification (germline): Uncertain significance (1 of 4 stars; one submission).

Submission:

Ambry Genetics
Classification: Uncertain significance. Last evaluated: 2021-12-22. Review status: criteria provided, single submitter. Criteria: Ambry Variant Classification Scheme 2023. Collection method: clinical testing. Allele origin: germline.
Comment: The p.D228V variant (also known as c.683A>T), located in coding exon 3 of the GALNT12 gene, results from an A to T substitution at nucleotide position 683. The aspartic acid at codon 228 is replaced by valine, an amino acid with highly dissimilar properties. This amino acid position is conserved. In addition, this alteration is predicted to be deleterious by in silico analysis. Since supporting evidence is limited at this time, the clinical significance of this alteration remains unclear.